The following is an entry in ClinVar:

ClinVar aggregate classification (germline): Uncertain significance (1 of 4 stars; one submission).

Submission:

GeneDx
Classification: Uncertain significance. Last evaluated: 2023-07-13. Review status: criteria provided, single submitter. Criteria: GeneDx Variant Classification Process June 2021. Collection method: clinical testing. Allele origin: germline. Affected: yes.
Comment: Not observed at significant frequency in large population cohorts (gnomAD); In silico analysis supports that this missense variant has a deleterious effect on protein structure/function; Has not been previously published as pathogenic or benign to our knowledge

NM_004818.3(DDX23):c.7G>C (p.Gly3Arg)

Gene: DDX23 (DEAD-box helicase 23; minus strand). Cytogenetic location: 12q13.12.
Variant type: single nucleotide variant.
Coding change: c.7G>C on transcript NM_004818.3 (MANE Select); coding-DNA position 7, G replaced by C.
Protein change: p.Gly3Arg; replaces glycine 3 with arginine.
Molecular consequence: missense variant.
Genome position (GRCh38, 1-based): chr12:48,845,776, C>G on the plus strand (G>C on the coding strand, the complement: DDX23 is on the minus strand). VCF-style: chr12-48845776-C-G. GRCh37 (hg19) VCF-style: chr12-49239559-C-G.
Other names: short protein forms G3R.
Identifiers: ClinVar variation 3360916 (VCV003360916.1).